The following is an entry in ClinVar:

ClinVar aggregate classification (germline): Uncertain significance (1 of 4 stars; one submission).

Submission:

Labcorp Genetics (formerly Invitae), Labcorp
Classification: Uncertain significance. Last evaluated: 2022-03-18. Review status: criteria provided, single submitter. Criteria: Invitae Variant Classification Sherloc (09022015). Collection method: clinical testing. Allele origin: germline.
Comment: This sequence change replaces isoleucine, which is neutral and non-polar, with leucine, which is neutral and non-polar, at codon 283 of the LRPPRC protein (p.Ile283Leu). This variant is not present in population databases (gnomAD no frequency). This variant has not been reported in the literature in individuals affected with LRPPRC-related conditions. Algorithms developed to predict the effect of missense changes on protein structure and function (SIFT, PolyPhen-2, Align-GVGD) all suggest that this variant is likely to be tolerated. In summary, the available evidence is currently insufficient to determine the role of this variant in disease. Therefore, it has been classified as a Variant of Uncertain Significance.

NM_133259.4(LRPPRC):c.847A>C (p.Ile283Leu)

Gene: LRPPRC (leucine rich pentatricopeptide repeat containing; minus strand). Cytogenetic location: 2p21.
Variant type: single nucleotide variant.
Coding change: c.847A>C on transcript NM_133259.4 (MANE Select); coding-DNA position 847, A replaced by C.
Protein change: p.Ile283Leu; replaces isoleucine 283 with leucine.
Molecular consequence: missense variant.
Genome position (GRCh38, 1-based): chr2:43,975,108, T>G on the plus strand (A>C on the coding strand, the complement: LRPPRC is on the minus strand). VCF-style: chr2-43975108-T-G. GRCh37 (hg19) VCF-style: chr2-44202247-T-G.
Other names: short protein forms I283L.
Identifiers: ClinVar variation 1953434 (VCV001953434.2), dbSNP rs865798848, ClinGen allele CA46444870.